The following is an entry in ClinVar:

ClinVar aggregate classification (germline): Uncertain significance (1 of 4 stars; one submission).

gnomAD v4.1: 11 of 1,613,810 alleles (0.00068%); highest among the groups gnomAD compares: East Asian, 0.0022%; no homozygotes.

Submission:

Labcorp Genetics (formerly Invitae), Labcorp
Classification: Uncertain significance. Last evaluated: 2025-04-17. Review status: criteria provided, single submitter. Criteria: Invitae Variant Classification Sherloc (09022015). Collection method: clinical testing. Allele origin: germline.
Comment: This sequence change replaces valine, which is neutral and non-polar, with isoleucine, which is neutral and non-polar, at codon 246 of the TOP1MT protein (p.Val246Ile). This variant is present in population databases (rs200437445, gnomAD 0.003%). This variant has not been reported in the literature in individuals affected with TOP1MT-related conditions. Invitae Evidence Modeling of protein sequence and biophysical properties (such as structural, functional, and spatial information, amino acid conservation, physicochemical variation, residue mobility, and thermodynamic stability) indicates that this missense variant is expected to disrupt TOP1MT protein function with a positive predictive value of 80%. In summary, the available evidence is currently insufficient to determine the role of this variant in disease. Therefore, it has been classified as a Variant of Uncertain Significance.

NM_052963.3(TOP1MT):c.736G>A (p.Val246Ile)

Gene: TOP1MT (DNA topoisomerase I mitochondrial; minus strand). Cytogenetic location: 8q24.3.
Variant type: single nucleotide variant.
Coding change: c.736G>A on transcript NM_052963.3 (MANE Select); coding-DNA position 736, G replaced by A.
Protein change: p.Val246Ile; replaces valine 246 with isoleucine.
Molecular consequence: missense variant.
Genome position (GRCh38, 1-based): chr8:143,324,565, C>T on the plus strand (G>A on the coding strand, the complement: TOP1MT is on the minus strand). VCF-style: chr8-143324565-C-T. GRCh37 (hg19) VCF-style: chr8-144406735-C-T.
Other names: c.442G>A, p.Val148Ile (NM_001258446.1, NM_001258447.1); short protein forms V148I, V246I.
Identifiers: ClinVar variation 4708331 (VCV004708331.1).
Genomic context (GRCh38, chr8:143,324,565, plus strand): 5'-TCAGCATGATGTACTTGATGGAGTTCTGAACGCTCTCGGTCCAAGCTGCCAGCCACGTGA[C>T]GGTGTTATCGGAGCGCACCTCCTTCCACTGGTGCCCCGCCGGCGGCTCGGGGATCTTCGA-3'
Protein context (NP_443195.1, residues 236-256): QWKEVRSDNT[Val246Ile]TWLAAWTESV